The following is an entry in ClinVar:

ClinVar aggregate classification (germline): Conflicting classifications of pathogenicity. Review status: criteria provided, conflicting classifications (1 of 4 stars). 2 submissions from 2 submitters: Uncertain significance (1); Likely benign (1). Last evaluated 2023-07-07.

Conditions:
Cardiovascular phenotype. Identifiers: MedGen CN230736.
Long QT syndrome (LQTS). Identifiers: MedGen C0023976, MeSH D008133, MONDO:0002442. Disease mechanism: loss of function. Inheritance: Various modes of inheritance.

Allele frequency attached by ClinVar (database versions not stated): gnomAD exomes below 0.00001 and 0.00001; ExAC 0.00001; gnomAD 0.00001; TOPMed 0.00001.
gnomAD v4.1: 3 of 1,586,574 alleles (0.00019%); highest among the groups gnomAD compares: Admixed American, 0.0017%; no homozygotes.

Submissions (2):

Labcorp Genetics (formerly Invitae), Labcorp
Classification: Uncertain significance for Long QT syndrome. Last evaluated: 2023-07-07. Review status: criteria provided, single submitter. Criteria: Invitae Variant Classification Sherloc (09022015). Collection method: clinical testing. Allele origin: germline.
Comment: This sequence change affects codon 3570 of the AKAP9 mRNA. It is a 'silent' change, meaning that it does not change the encoded amino acid sequence of the AKAP9 protein. The frequency data for this variant in the population databases is considered unreliable, as metrics indicate poor data quality at this position in the gnomAD database. This variant has not been reported in the literature in individuals affected with AKAP9-related conditions. ClinVar contains an entry for this variant (Variation ID: 360849). Algorithms developed to predict the effect of sequence changes on RNA splicing suggest that this variant may create or strengthen a splice site. In summary, the available evidence is currently insufficient to determine the role of this variant in disease. Therefore, it has been classified as a Variant of Uncertain Significance.

Ambry Genetics
Classification: Likely benign for Cardiovascular phenotype. Last evaluated: 2022-11-22. Review status: criteria provided, single submitter. Criteria: Ambry Variant Classification Scheme 2023. Collection method: clinical testing. Allele origin: germline.

NM_005751.5(AKAP9):c.10710A>G (p.Glu3570=)

Gene: AKAP9 (A-kinase anchoring protein 9; plus strand). Cytogenetic location: 7q21.2.
Variant type: single nucleotide variant.
Coding change: c.10710A>G on transcript NM_005751.5 (MANE Select); coding-DNA position 10710, A replaced by G.
Protein change: p.Glu3570=; no amino-acid change (glutamic acid 3570 retained).
Molecular consequence: synonymous variant.
Genome position (GRCh38, 1-based): chr7:92,098,211, A>G. VCF-style: chr7-92098211-A-G. GRCh37 (hg19) VCF-style: chr7-91727525-A-G.
Other names: c.5355A>G, p.Glu1785= (NM_001379277.1); c.10686A>G, p.Glu3562= (NM_147185.3).
Identifiers: ClinVar variation 360849 (VCV000360849.14), dbSNP rs767245893, ClinGen allele CA4338002.